The following is an entry in ClinVar:

NM_006593.4(TBR1):c.880A>C (p.Asn294His)

Gene: TBR1 (T-box brain transcription factor 1; plus strand). Cytogenetic location: 2q24.2.
Variant type: single nucleotide variant.
Coding change: c.880A>C on transcript NM_006593.4 (MANE Select); coding-DNA position 880, A replaced by C.
Protein change: p.Asn294His; replaces asparagine 294 with histidine.
Molecular consequence: missense variant.
Genome position (GRCh38, 1-based): chr2:161,418,233, A>C. VCF-style: chr2-161418233-A-C. GRCh37 (hg19) VCF-style: chr2-162274744-A-C.
Other names: short protein forms N294H.
Identifiers: ClinVar variation 3068411 (VCV003068411.1), dbSNP rs2468092630, ClinGen allele CA349212428.

ClinVar aggregate classification (germline): Uncertain significance (1 of 4 stars; one submission).

Conditions:
Intellectual developmental disorder with autism and speech delay. Also called: Autism 5; AUTISM-RELATED SPEECH DELAY; PHRASE SPEECH DELAY, AUTISM-RELATED; AUTS5; Autism, susceptibility to, 5. Identifiers: MedGen C1853755, MONDO:0011627, OMIM 606053.

Submission:

MVZ Medizinische Genetik Mainz
Classification: Uncertain significance for Intellectual developmental disorder with autism and speech delay. Last evaluated: 2023-02-28. Review status: criteria provided, single submitter. Criteria: UK Practice Guidelines For Variant Classification V4 01 2020. Collection method: clinical testing. Allele origin: germline. Inheritance: Autosomal dominant inheritance. Affected: yes. Observed: 1 variant allele.
Comment: ACMG Criteria: PM1, PM2_SUP, PP3